The following is an entry in ClinVar:

NM_005340.7(HINT1):c.112T>C (p.Cys38Arg)

Gene: HINT1 (histidine triad nucleotide binding protein 1; minus strand). Cytogenetic location: 5q23.3.
Variant type: single nucleotide variant.
Coding change: c.112T>C on transcript NM_005340.7 (MANE Select); coding-DNA position 112, T replaced by C.
Protein change: p.Cys38Arg; replaces cysteine 38 with arginine.
Molecular consequence: missense variant. On other transcripts: non-coding transcript variant (5).
Genome position (GRCh38, 1-based): chr5:131,162,676, A>G on the plus strand (T>C on the coding strand, the complement: HINT1 is on the minus strand). VCF-style: chr5-131162676-A-G. GRCh37 (hg19) VCF-style: chr5-130498369-A-G.
Other names: short protein forms C38R.
Identifiers: ClinVar variation 545661 (VCV000545661.6), dbSNP rs762701283, ClinGen allele CA3398621.
Genomic context (GRCh38, chr5:131,162,676, plus strand): 5'-TCTTGGGTATCACCAGAAAATGTGTTGGTGCTTGAGGGGAAATGTCATGGAAAGCAAGGC[A>G]CTAGGGAAAAGAGAAATAAATAAATAAATCAAACTTTTAGTATATTGGTAGGATAAAACT-3'
Protein context (NP_005331.1, residues 28-48): PAKIIFEDDR[Cys38Arg]LAFHDISPQA

ClinVar aggregate classification (germline): Likely pathogenic. Review status: criteria provided, multiple submitters, no conflicts (2 of 4 stars). 2 submissions from 2 submitters: Likely pathogenic (2). Last evaluated 2024-02-09.

Conditions:
Autosomal recessive axonal neuropathy with neuromyotonia (NMAN). Also called: Gamstorp-Wohlfart syndrome; MYOKYMIA, MYOTONIA, AND MUSCLE WASTING; Neuromyotonia and axonal neuropathy, autosomal recessive. Identifiers: Orphanet 324442, MedGen C5700127, MONDO:0007646, OMIM 137200.

Allele frequency attached by ClinVar (database versions not stated): gnomAD exomes 0.00001 and below 0.00001; TOPMed 0.00001; ExAC 0.00001.
gnomAD v4.1: 2 of 1,577,182 alleles (0.00013%); highest among the groups gnomAD compares: East Asian, 0.0022%; no homozygotes.

Submissions (2):

Fulgent Genetics
Classification: Likely pathogenic for Autosomal recessive axonal neuropathy with neuromyotonia. Last evaluated: 2024-02-09. Review status: criteria provided, single submitter. Criteria: ACMG Guidelines, 2015. Collection method: clinical testing. Allele origin: germline.

Neuromuscular Group, Huashan Hospital, Fudan University
Classification: Likely pathogenic for Autosomal recessive axonal neuropathy with neuromyotonia. Last evaluated: 2018-03-29. Review status: criteria provided, single submitter. Criteria: ACMG Guidelines, 2015. Collection method: clinical testing. Allele origin: germline. Inheritance: Autosomal recessive inheritance. Affected: yes. Observed: 1 variant allele, 1 homozygote.